The following is an entry in ClinVar:

NC_000011.9:g.(?_45827353)_(45932533_?)dup

Genes: CRY2 (cryptochrome circadian regulator 2; plus strand), SLC35C1 (solute carrier family 35 member C1; plus strand), FREY1 (Frey regulator of sperm-oocyte fusion 1; minus strand), PEX16 (peroxisomal biogenesis factor 16; minus strand), MAPK8IP1 (mitogen-activated protein kinase 8 interacting protein 1; plus strand). Cytogenetic location: 11p11.2.
Variant type: Duplication.
Identifiers: ClinVar variation 1483268 (VCV001483268.6).

ClinVar aggregate classification (germline): Uncertain significance (1 of 4 stars; one submission).

Conditions:
Peroxisome biogenesis disorder. Identifiers: Orphanet 79189, MedGen C1832200, MONDO:0019234. Disease mechanism: loss of function.

Submission:

Labcorp Genetics (formerly Invitae), Labcorp
Classification: Uncertain significance for Peroxisome biogenesis disorder. Last evaluated: 2022-01-12. Review status: criteria provided, single submitter. Criteria: Invitae Variant Classification Sherloc (09022015). Collection method: clinical testing. Allele origin: germline.
Comment: This variant results in a copy number gain of the genomic region encompassing exon(s) 10-11 of the PEX16 gene. This region includes the termination codon of the gene. This copy number gain extends beyond the assayed region for this gene and therefore may encompass additional genes. As the precise location of this event is unknown, it may be in tandem or it may be located elsewhere in the genome. This variant has not been reported in the literature in individuals affected with PEX16-related conditions. Experimental studies and prediction algorithms are not available or were not evaluated, and the functional significance of this variant is currently unknown. In summary, the available evidence is currently insufficient to determine the role of this variant in disease. Therefore, it has been classified as a Variant of Uncertain Significance.